The following is an entry in ClinVar:

NM_001253697.2(ERBIN):c.1763T>G (p.Ile588Ser)

Gene: ERBIN (erbb2 interacting protein; plus strand). Cytogenetic location: 5q12.3.
Variant type: single nucleotide variant.
Coding change: c.1763T>G on transcript NM_001253697.2 (MANE Select); coding-DNA position 1763, T replaced by G.
Protein change: p.Ile588Ser; replaces isoleucine 588 with serine.
Molecular consequence: missense variant.
Genome position (GRCh38, 1-based): chr5:66,046,513, T>G. VCF-style: chr5-66046513-T-G. GRCh37 (hg19) VCF-style: chr5-65342341-T-G.
Other names: c.1763T>G, p.Ile588Ser (NM_001006600.3, NM_001253698.2, NM_001253699.2 and 1 more transcripts); c.1751T>G, p.Ile584Ser (NM_001253701.2); short protein forms I584S, I588S.
Identifiers: ClinVar variation 1986563 (VCV001986563.4), dbSNP rs763126460, ClinGen allele CA3286328.

ClinVar aggregate classification (germline): Uncertain significance (1 of 4 stars; one submission).

Allele frequency attached by ClinVar (database versions not stated): TOPMed 0.00001; ExAC 0.00005.
gnomAD v4.1: 37 of 1,592,202 alleles (0.0023%); highest among the groups gnomAD compares: South Asian, 0.026%; no homozygotes.

Submission:

Labcorp Genetics (formerly Invitae), Labcorp
Classification: Uncertain significance. Last evaluated: 2026-01-16. Review status: criteria provided, single submitter. Criteria: Invitae Variant Classification Sherloc (09022015). Collection method: clinical testing. Allele origin: germline.
Comment: This sequence change replaces isoleucine, which is neutral and non-polar, with serine, which is neutral and polar, at codon 588 of the ERBIN protein (p.Ile588Ser). This variant is present in population databases (rs763126460, gnomAD 0.04%). This variant has not been reported in the literature in individuals affected with ERBIN-related conditions. ClinVar contains an entry for this variant (Variation ID: 1986563). An algorithm developed to predict the effect of missense changes on protein structure and function (PolyPhen-2) suggests that this variant is likely to be tolerated. In summary, the available evidence is currently insufficient to determine the role of this variant in disease. Therefore, it has been classified as a Variant of Uncertain Significance.